The following is an entry in ClinVar:

NM_000533.5(PLP1):c.97T>C (p.Cys33Arg)

Genes: PLP1 (proteolipid protein 1; plus strand), RAB9B (RAB9B, member RAS oncogene family; minus strand). Cytogenetic location: Xq22.2.
Variant type: single nucleotide variant.
Coding change: c.97T>C on transcript NM_000533.5 (MANE Select); coding-DNA position 97, T replaced by C.
Protein change: p.Cys33Arg; replaces cysteine 33 with arginine.
Molecular consequence: missense variant. On other transcripts: intron variant (1).
Genome position (GRCh38, 1-based): chrX:103,785,674, T>C. VCF-style: chrX-103785674-T-C. GRCh37 (hg19) VCF-style: chrX-103040603-T-C.
Other names: c.97T>C, p.Cys33Arg (NM_001128834.3, NM_199478.3); c.5-73T>C (NM_001305004.1); short protein forms C33R.
Identifiers: ClinVar variation 4855058 (VCV004855058.1).

ClinVar aggregate classification (germline): Uncertain significance (1 of 4 stars; one submission).

Conditions:
Pelizaeus-Merzbacher disease. Also called: LEUKODYSTROPHY, HYPOMYELINATING, 1; Sudanophilic leukodystrophy; Pelizeaus-Merzbacher spectrum disorder; Pelizaeus-Merzbacher spectrum disorder; Pelizaeus-Merzbacher Disease (PMD). Identifiers: Orphanet 702, MedGen C0205711, MONDO:0010714, OMIM 312080, HP:0003269.

Submission:

3billion
Classification: Uncertain significance for Pelizaeus-Merzbacher disease. Last evaluated: 2026-01-08. Review status: criteria provided, single submitter. Criteria: ACMG Guidelines, 2015. Collection method: clinical testing. Allele origin: germline. Affected: yes.
Comment: The variant is not observed in the gnomAD v4.1.0 dataset. Predicted Consequence/Location: Missense variant In silico tool predictions suggest damaging effect of the variant on gene or gene product [REVEL: 0.96 (>=0.6, sensitivity 0.68 and specificity 0.92); 3Cnet: 0.99 (> 0.75, sensitivity 0.96 and precision 0.92)]. The same nucleotide change resulting in the same amino acid change has been previously reported to be associated with PLP1-related disorder (PMID: 29451896). A different missense change at the same codon (p.Cys33Tyr) has been reported to be associated with PLP1-related disorder (ClinVar ID: VCV000420045 /PMID: 15712223). However the evidence of pathogenicity is insufficient at this time. Therefore, this variant is classified as VUS according to the recommendation of ACMG/AMP guideline.

Literature cited by the submitters: PubMed 29451896; PubMed 15712223.